The following is an entry in ClinVar:

ClinVar aggregate classification (germline): Likely pathogenic (1 of 4 stars; one submission).

Conditions:
Hydrolethalus syndrome. Identifiers: Orphanet 2189, MedGen C2931104, MONDO:0006037.

Submission:

Natera, Inc.
Classification: Likely pathogenic for Hydrolethalus syndrome. Last evaluated: 2025-01-21. Review status: criteria provided, single submitter. Criteria: Natera Variant Classification Schema (03/2026). Collection method: clinical testing. Allele origin: germline.
Comment: The c.657C>G variant in HYLS1 is a nonsense variant predicted to introduce a stop codon at amino acid 219. This variant is expected to result in nonsense mediated decay, truncation, or a dysfunctional protein product. This variant is rare in the general population with a frequency below the threshold expected for the associated phenotype(s). Given the available evidence, this variant is classified as Likely Pathogenic.

NM_001134793.2(HYLS1):c.657C>G (p.Tyr219Ter)

Genes: HYLS1 (HYLS1 centriolar and ciliogenesis associated; plus strand), PUS3 (pseudouridine synthase 3; minus strand). Cytogenetic location: 11q24.2.
Variant type: single nucleotide variant.
Coding change: c.657C>G on transcript NM_001134793.2 (MANE Select); coding-DNA position 657, C replaced by G.
Protein change: p.Tyr219Ter; replaces tyrosine 219 with a stop codon.
Molecular consequence: nonsense. On other transcripts: intron variant (2).
Genome position (GRCh38, 1-based): chr11:125,900,025, C>G. VCF-style: chr11-125900025-C-G. GRCh37 (hg19) VCF-style: chr11-125769920-C-G.
Other names: c.657C>G, p.Tyr219Ter (NM_001377269.1, NM_001377270.1, NM_001424364.1 and 1 more transcripts); c.-247+3145G>C (NM_001271985.2); c.-47+3145G>C (NM_031307.4); short protein forms Y219*.
Identifiers: ClinVar variation 4069623 (VCV004069623.2).